The following is an entry in ClinVar:

NM_004618.5(TOP3A):c.2879C>T (p.Ser960Leu)

Gene: TOP3A (DNA topoisomerase III alpha; minus strand). Cytogenetic location: 17p11.2.
Variant type: single nucleotide variant.
Coding change: c.2879C>T on transcript NM_004618.5 (MANE Select); coding-DNA position 2879, C replaced by T.
Protein change: p.Ser960Leu; replaces serine 960 with leucine.
Molecular consequence: missense variant.
Genome position (GRCh38, 1-based): chr17:18,274,929, G>A on the plus strand (C>T on the coding strand, the complement: TOP3A is on the minus strand). VCF-style: chr17-18274929-G-A. GRCh37 (hg19) VCF-style: chr17-18178243-G-A.
Other names: c.2594C>T, p.Ser865Leu (NM_001320759.2); c.2879C>T (NM_004618.3); short protein forms S865L, S960L.
Identifiers: ClinVar variation 2053039 (VCV002053039.5), dbSNP rs139682740, ClinGen allele CA8429490.

ClinVar aggregate classification (germline): Conflicting classifications of pathogenicity. Review status: criteria provided, conflicting classifications (1 of 4 stars). 2 submissions from 2 submitters: Uncertain significance (1); Likely benign (1). Last evaluated 2025-09-02.

Conditions:
Inborn genetic diseases. Identifiers: MedGen C0950123, MeSH D030342.

Allele frequency attached by ClinVar (database versions not stated): ExAC 0.00009; gnomAD 0.00025; TOPMed 0.00031; ESP Exome Variant Server 0.00062.
gnomAD v4.1: 680 of 1,613,960 alleles (0.042%); highest among the groups gnomAD compares: Non-Finnish European, 0.055%; no homozygotes.

Submissions (2):

Labcorp Genetics (formerly Invitae), Labcorp
Classification: Uncertain significance. Last evaluated: 2025-09-02. Review status: criteria provided, single submitter. Criteria: Invitae Variant Classification Sherloc (09022015). Collection method: clinical testing. Allele origin: germline.
Comment: This sequence change replaces serine, which is neutral and polar, with leucine, which is neutral and non-polar, at codon 960 of the TOP3A protein (p.Ser960Leu). This variant is present in population databases (rs139682740, gnomAD 0.02%). This variant has not been reported in the literature in individuals affected with TOP3A-related conditions. ClinVar contains an entry for this variant (Variation ID: 2053039). An algorithm developed to predict the effect of missense changes on protein structure and function outputs the following: PolyPhen-2: "Benign". The leucine amino acid residue is found in multiple mammalian species, which suggests that this missense change does not adversely affect protein function. In summary, the available evidence is currently insufficient to determine the role of this variant in disease. Therefore, it has been classified as a Variant of Uncertain Significance.

Ambry Genetics
Classification: Likely benign for Inborn genetic diseases. Last evaluated: 2023-02-10. Review status: criteria provided, single submitter. Criteria: Ambry Variant Classification Scheme 2023. Collection method: clinical testing. Allele origin: germline.